The following is an entry in ClinVar:

NM_201253.3(CRB1):c.3583G>T (p.Val1195Phe)

Gene: CRB1 (crumbs cell polarity complex component 1; plus strand). Cytogenetic location: 1q31.3.
Variant type: single nucleotide variant.
Coding change: c.3583G>T on transcript NM_201253.3 (MANE Select); coding-DNA position 3583, G replaced by T.
Protein change: p.Val1195Phe; replaces valine 1195 with phenylalanine.
Molecular consequence: missense variant. On other transcripts: non-coding transcript variant (2), intron variant (1).
Genome position (GRCh38, 1-based): chr1:197,435,446, G>T. VCF-style: chr1-197435446-G-T. GRCh37 (hg19) VCF-style: chr1-197404576-G-T.
Other names: c.3247G>T, p.Val1083Phe (NM_001193640.2); c.3511G>T, p.Val1171Phe (NM_001257965.2); c.2129-154G>T (NM_001257966.2); short protein forms V1083F, V1171F, V1195F.
Identifiers: ClinVar variation 1006231 (VCV001006231.8), dbSNP rs1558138977, ClinGen allele CA344049833.

ClinVar aggregate classification (germline): Uncertain significance (1 of 4 stars; one submission).

Conditions:
Retinitis pigmentosa 12 (RP12). Also called: RP WITH OR WITHOUT PPRPE; RP WITH OR WITHOUT PRESERVED PARAARTERIOLE RETINAL PIGMENT EPITHELIUM; RETINITIS PIGMENTOSA WITH OR WITHOUT PARAARTERIOLAR PRESERVATION OF RETINAL PIGMENT EPITHELIUM. Identifiers: Orphanet 791, MedGen C1838647, MONDO:0010818, OMIM 600105.
Leber congenital amaurosis 8 (LCA8). Identifiers: Orphanet 65, MedGen C3151202, MONDO:0013453, OMIM 613835.

Submission:

Labcorp Genetics (formerly Invitae), Labcorp
Classification: Uncertain significance for Leber congenital amaurosis 8; Retinitis pigmentosa 12. Last evaluated: 2020-04-29. Review status: criteria provided, single submitter. Criteria: Invitae Variant Classification Sherloc (09022015). Collection method: clinical testing. Allele origin: germline.
Comment: Algorithms developed to predict the effect of missense changes on protein structure and function are either unavailable or do not agree on the potential impact of this missense change (SIFT: "Tolerated"; PolyPhen-2: "Possibly Damaging"; Align-GVGD: "Class C0"). In summary, the available evidence is currently insufficient to determine the role of this variant in disease. Therefore, it has been classified as a Variant of Uncertain Significance. This variant has not been reported in the literature in individuals with CRB1-related conditions. This variant is not present in population databases (ExAC no frequency). This sequence change replaces valine with phenylalanine at codon 1195 of the CRB1 protein (p.Val1195Phe). The valine residue is highly conserved and there is a small physicochemical difference between valine and phenylalanine.